The following is an entry in ClinVar:

NM_000257.4(MYH7):c.1279C>G (p.Leu427Val)

Gene: MYH7 (myosin heavy chain 7; minus strand). Cytogenetic location: 14q11.2.
Variant type: single nucleotide variant.
Coding change: c.1279C>G on transcript NM_000257.4 (MANE Select); coding-DNA position 1279, C replaced by G.
Protein change: p.Leu427Val; replaces leucine 427 with valine.
Molecular consequence: missense variant.
Genome position (GRCh38, 1-based): chr14:23,429,083, G>C on the plus strand (C>G on the coding strand, the complement: MYH7 is on the minus strand). VCF-style: chr14-23429083-G-C. GRCh37 (hg19) VCF-style: chr14-23898292-G-C.
Other names: short protein forms L427V.
Identifiers: ClinVar variation 574680 (VCV000574680.8), dbSNP rs1267329552, ClinGen allele CA389050961.

ClinVar aggregate classification (germline): Uncertain significance (1 of 4 stars; one submission).

Conditions:
Hypertrophic cardiomyopathy. Also called: HYPERTROPHIC MYOCARDIOPATHY. Identifiers: Orphanet 217569, MedGen C0007194, MeSH D002312, MONDO:0005045, HP:0001639.

Submission:

Labcorp Genetics (formerly Invitae), Labcorp
Classification: Uncertain significance for Hypertrophic cardiomyopathy. Last evaluated: 2021-08-02. Review status: criteria provided, single submitter. Criteria: Invitae Variant Classification Sherloc (09022015). Collection method: clinical testing. Allele origin: germline.
Comment: This variant has not been reported in the literature in individuals with MYH7-related disease. This sequence change replaces leucine with valine at codon 427 of the MYH7 protein (p.Leu427Val). The leucine residue is highly conserved and there is a small physicochemical difference between leucine and valine. This variant is not present in population databases (ExAC no frequency). A computational algorithm designed to assess the pathogenicity of variants in MYH7 with regard to hypertrophic cardiomyopathy predicted this sequence change to be deleterious. The algorithm has a sensitivity of 94% and a specificity of 89% (PMID: 21310275). Algorithms developed to predict the effect of sequence changes on RNA splicing suggest that this variant may create or strengthen a splice site, but this prediction has not been confirmed by published transcriptional studies. This variant is found within a region of MYH7 between codons 181 and 937 that contains the majority of the myosin head domain. Missense variants in this region have been shown to be significantly overrepresented in individuals with hypertrophic cardiomyopathy (PMID: 27532257). In summary, the available evidence is currently insufficient to determine the role of this variant in disease. Therefore, it has been classified as a Variant of Uncertain Significance.

Literature cited by the submitters: PubMed 21310275; PubMed 27532257.